The following is an entry in ClinVar:

NM_018062.4(FANCL):c.472del (p.Tyr158fs)

Gene: FANCL (FA complementation group L; minus strand). Cytogenetic location: 2p16.1.
Variant type: Deletion.
Coding change: c.472del on transcript NM_018062.4 (MANE Select); coding-DNA position 472, one base deleted (T; older notation c.472delT).
Protein change: p.Tyr158fs; shifts the reading frame from tyrosine 158.
Molecular consequence: frameshift variant.
Genome position (GRCh38, 1-based): chr2:58,198,662, A deleted on the plus strand (T on the coding strand, the reverse complement: FANCL is on the minus strand). VCF-style (leftmost placement, unchanged base first): chr2-58198661-TA-T. GRCh37 (hg19) VCF-style: chr2-58425796-TA-T.
Other names: c.472delT, p.Tyr158Ilefs (NM_001114636.2); c.472del, p.Tyr158fs (NM_001374615.1, NM_001410792.1); short protein forms Y158fs.
Identifiers: ClinVar variation 2701067 (VCV002701067.3), dbSNP rs2467111921, ClinGen allele CA2697548180.

ClinVar aggregate classification (germline): Pathogenic (1 of 4 stars; one submission).

Conditions:
Fanconi anemia (FA). Also called: Fanconi's anemia. Identifiers: Orphanet 84, MedGen C0015625, MeSH D005199, MONDO:0019391.

Submission:

Labcorp Genetics (formerly Invitae), Labcorp
Classification: Pathogenic for Fanconi anemia. Last evaluated: 2023-12-05. Review status: criteria provided, single submitter. Criteria: Invitae Variant Classification Sherloc (09022015). Collection method: clinical testing. Allele origin: germline.
Comment: This sequence change creates a premature translational stop signal (p.Tyr158Ilefs*26) in the FANCL gene. It is expected to result in an absent or disrupted protein product. Loss-of-function variants in FANCL are known to be pathogenic (PMID: 19405097, 23613520). This variant is not present in population databases (gnomAD no frequency). This variant has not been reported in the literature in individuals affected with FANCL-related conditions. Algorithms developed to predict the effect of sequence changes on RNA splicing suggest that this variant may disrupt the consensus splice site. For these reasons, this variant has been classified as Pathogenic.

Literature cited by the submitters: PubMed 19405097; PubMed 23613520.